The following is an entry in ClinVar:

NM_152618.3(BBS12):c.332dup (p.Ile112fs)

Gene: BBS12 (Bardet-Biedl syndrome 12; plus strand). Cytogenetic location: 4q27.
Variant type: Duplication.
Coding change: c.332dup on transcript NM_152618.3 (MANE Select); coding-DNA position 332, one base duplicated (T; older notation c.332dupT).
Protein change: p.Ile112fs; shifts the reading frame from isoleucine 112.
Molecular consequence: frameshift variant.
Genome position (GRCh38, 1-based): chr4:122,742,224, T duplicated. VCF-style (leftmost placement, unchanged base first): chr4-122742223-A-AT. GRCh37 (hg19) VCF-style: chr4-123663378-A-AT.
Other names: c.332dup, p.Ile112fs (NM_001178007.2); short protein forms I112fs.
Identifiers: ClinVar variation 5004160 (VCV005004160.1).

ClinVar aggregate classification (germline): Pathogenic (1 of 4 stars; one submission).

Conditions:
Bardet-Biedl syndrome 12 (BBS12). Identifiers: Orphanet 110, MedGen C1859570, MONDO:0014440, OMIM 615989.

Submission:

Myriad Genetics, Inc.
Classification: Pathogenic for Bardet-Biedl syndrome 12. Last evaluated: 2025-09-10. Review status: criteria provided, single submitter. Criteria: Myriad Autosomal Dominant, Autosomal Recessive and X-Linked Classification Criteria (2023). Collection method: clinical testing. Allele origin: unknown.
Comment: NM_152618.2(BBS12):c.332dupT(I112Nfs*13) is a frameshift variant classified as pathogenic in the context of Bardet-Biedl syndrome, BBS12-related. I112Nfs*13 has not been observed in cases with relevant disease. Relevant functional assessments of this variant are not available in the literature. I112Nfs*13 has not been observed in referenced population frequency databases. In summary, NM_152618.2(BBS12):c.332dupT(I112Nfs*13) is a frameshift variant in a gene where loss of function is a known mechanism of disease and is predicted to disrupt protein function. Please note: this variant was assessed in the context of healthy population screening.